The following is an entry in ClinVar:

NM_000368.5(TSC1):c.1141+5G>A

Gene: TSC1 (TSC complex subunit 1; minus strand). Cytogenetic location: 9q34.13.
Variant type: single nucleotide variant.
Coding change: c.1141+5G>A on transcript NM_000368.5 (MANE Select); 5 bases into the intron after coding-DNA position 1141, G replaced by A.
Molecular consequence: intron variant.
Genome position (GRCh38, 1-based): chr9:132,910,997, C>T on the plus strand (G>A on the coding strand, the complement: TSC1 is on the minus strand). VCF-style: chr9-132910997-C-T. GRCh37 (hg19) VCF-style: chr9-135786384-C-T.
Other names: c.778+5G>A (NM_001362177.2); c.988+5G>A (NM_001162427.2); c.1141+5G>A (NM_001162426.2).
Identifiers: ClinVar variation 1006228 (VCV001006228.6), dbSNP rs1845924784, ClinGen allele CA1882417293.

ClinVar aggregate classification (germline): Uncertain significance (1 of 4 stars; one submission).

Conditions:
Tuberous sclerosis 1 (TSC1). Identifiers: Orphanet 805, MedGen C1854465, MONDO:0008612, OMIM 191100.

Submission:

Labcorp Genetics (formerly Invitae), Labcorp
Classification: Uncertain significance for Tuberous sclerosis 1. Last evaluated: 2020-07-20. Review status: criteria provided, single submitter. Criteria: Invitae Variant Classification Sherloc (09022015). Collection method: clinical testing. Allele origin: germline.
Comment: This variant has not been reported in the literature in individuals with TSC1-related conditions. In summary, the available evidence is currently insufficient to determine the role of this variant in disease. Therefore, it has been classified as a Variant of Uncertain Significance. Nucleotide substitutions within the consensus splice site are a relatively common cause of aberrant splicing (PMID: 17576681, 9536098). Algorithms developed to predict the effect of sequence changes on RNA splicing suggest that this variant may disrupt the consensus splice site, but this prediction has not been confirmed by published transcriptional studies. This variant is not present in population databases (ExAC no frequency). This sequence change falls in intron 11 of the TSC1 gene. It does not directly change the encoded amino acid sequence of the TSC1 protein, but it affects a nucleotide within the consensus splice site of the intron.

Literature cited by the submitters: PubMed 17576681; PubMed 9536098.